The following is an entry in ClinVar:

NM_001009944.3(PKD1):c.8288T>C (p.Leu2763Pro)

Gene: PKD1 (polycystin 1, transient receptor potential channel interacting; minus strand). Cytogenetic location: 16p13.3.
Variant type: single nucleotide variant.
Coding change: c.8288T>C on transcript NM_001009944.3 (MANE Select); coding-DNA position 8288, T replaced by C.
Protein change: p.Leu2763Pro; replaces leucine 2763 with proline.
Molecular consequence: missense variant.
Genome position (GRCh38, 1-based): chr16:2,103,769, A>G on the plus strand (T>C on the coding strand, the complement: PKD1 is on the minus strand). VCF-style: chr16-2103769-A-G. GRCh37 (hg19) VCF-style: chr16-2153770-A-G.
Other names: c.8288T>C, p.Leu2763Pro (NM_000296.4); short protein forms L2763P.
Identifiers: ClinVar variation 2507277 (VCV002507277.4), dbSNP rs2092204260, ClinGen allele CA394364799.

ClinVar aggregate classification (germline): Conflicting classifications of pathogenicity. Review status: criteria provided, conflicting classifications (1 of 4 stars). 3 submissions from 3 submitters: Likely pathogenic (1); Uncertain significance (2). Last evaluated 2025-03-31.

Conditions:
Polycystic kidney disease, adult type (PKD1). Also called: Polycystic Kidney Disease 1, Autosomal Dominant; Polycystic kidney disease 1; Polycystic kidney disease 1, severe; Polycystic Kidney, Autosomal Dominant; POLYCYSTIC KIDNEY DISEASE, ADULT, TYPE I; POLYCYSTIC KIDNEY DISEASE 1 WITH OR WITHOUT POLYCYSTIC LIVER DISEASE. Identifiers: MedGen C3149841, MONDO:0008263, OMIM 173900.

Submissions (3):

Victorian Clinical Genetics Services, Murdoch Childrens Research Institute
Classification: Uncertain significance for Polycystic kidney disease, adult type. Last evaluated: 2025-03-31. Review status: criteria provided, single submitter. Criteria: ACMG Guidelines, 2015. Collection method: clinical testing. Allele origin: germline. Affected: yes.
Comment: This variant is classified as VUS-3A. Evidence in support of pathogenic classification: Variant is absent from gnomAD (v2, v3 and v4); This variant has moderate previous evidence of pathogenicity in unrelated individuals. This variant has been classified as likely pathogenic and as a VUS by clinical laboratories in ClinVar who have identified it in two individuals with PKD (personal communication). It has also been reported in the literature in one family with ADPKD (PMID: 24611717); Missense variant predicted to be damaging by in silico tool(s) or highly conserved with a major amino acid change. Additional information: Variant is predicted to result in a missense amino acid change from leucine to proline; This variant is heterozygous; This gene is associated with autosomal dominant disease. Polycystic kidney disease 1 (MIM#173900) is predominantly caused by monoallelic variants, with rare reports of biallelic variants causing disease (OMIM); Alternative amino acid change(s) at the same position are present in gnomAD (Highest allele count: v2: 2 heterozygote(s), 0 homozygote(s)); No published functional evidence has been identified for this variant; Another missense variant(s) comparable to the one identified in this case has inconclusive previous evidence for pathogenicity. p.(Leu2763Val) has been reported in the literature in individuals with ADPKD and was identified as part of a cluster of variants in this gene (PMID: 36645493, 9285784); Variant is not located in an established domain, motif, hotspot or informative constraint region; Loss of function is a known mechanism of disease in this gene and is associated with polycystic kidney disease 1 (MIM#173900); Inheritance information for this variant is not currently available in this individual.

Fulgent Genetics
Classification: Likely pathogenic for Polycystic kidney disease, adult type. Last evaluated: 2024-05-03. Review status: criteria provided, single submitter. Criteria: ACMG Guidelines, 2015. Collection method: clinical testing. Allele origin: germline.

GeneDx
Classification: Uncertain significance. Last evaluated: 2022-12-28. Review status: criteria provided, single submitter. Criteria: GeneDx Variant Classification Process June 2021. Collection method: clinical testing. Allele origin: germline. Affected: yes.
Comment: Not observed at significant frequency in large population cohorts (gnomAD); In silico analysis supports that this missense variant has a deleterious effect on protein structure/function; This variant is associated with the following publications: (PMID: 24611717)

Literature cited by the submitters: PubMed 36645493 (cited by Victorian Clinical Genetics Services, Murdoch Childrens Research Institute); PubMed 9285784 (cited by Victorian Clinical Genetics Services, Murdoch Childrens Research Institute); PubMed 24611717 (cited by Victorian Clinical Genetics Services, Murdoch Childrens Research Institute).